The following is an entry in ClinVar:

ClinVar aggregate classification (germline): Likely benign. Review status: criteria provided, multiple submitters, no conflicts (2 of 4 stars). 3 submissions from 3 submitters: Likely benign (3). Last evaluated 2026-01-12.

Allele frequency attached by ClinVar (database versions not stated): gnomAD 0.00005 and 0.00006; gnomAD exomes 0.00005 and 0.00007; ExAC 0.00007; TOPMed 0.00007; 1000 Genomes Project 0.00020; 1000 Genomes Project 30x 0.00031.
gnomAD v4.1: 80 of 1,614,176 alleles (0.005%); highest among the groups gnomAD compares: Middle Eastern, 0.033%; no homozygotes.

Submissions (3):

Labcorp Genetics (formerly Invitae), Labcorp
Classification: Likely benign. Last evaluated: 2026-01-12. Review status: criteria provided, single submitter. Criteria: Invitae Variant Classification Sherloc (09022015). Collection method: clinical testing. Allele origin: germline.

CeGaT Center for Human Genetics Tuebingen
Classification: Likely benign. Last evaluated: 2023-10-01. Review status: criteria provided, single submitter. Criteria: CeGaT Center For Human Genetics Tuebingen Variant Classification Criteria Version 2. Collection method: clinical testing. Allele origin: germline. Affected: yes. Observed: 1 variant allele.
Comment: SLC25A38: BP4, BP7

GeneDx
Classification: Likely benign. Last evaluated: 2018-05-02. Review status: criteria provided, single submitter. Criteria: GeneDx Variant Classification (06012015). Collection method: clinical testing. Allele origin: germline. Affected: yes.
Comment: This variant is considered likely benign or benign based on one or more of the following criteria: it is a conservative change, it occurs at a poorly conserved position in the protein, it is predicted to be benign by multiple in silico algorithms, and/or has population frequency not consistent with disease.

NM_017875.4(SLC25A38):c.447G>A (p.Thr149=)

Gene: SLC25A38 (solute carrier family 25 member 38; plus strand). Cytogenetic location: 3p22.1.
Variant type: single nucleotide variant.
Coding change: c.447G>A on transcript NM_017875.4 (MANE Select); coding-DNA position 447, G replaced by A.
Protein change: p.Thr149=; no amino-acid change (threonine 149 retained).
Molecular consequence: synonymous variant.
Genome position (GRCh38, 1-based): chr3:39,391,611, G>A. VCF-style: chr3-39391611-G-A. GRCh37 (hg19) VCF-style: chr3-39433102-G-A.
Other names: c.447G>A, p.Thr149= (NM_001354798.2).
Identifiers: ClinVar variation 681933 (VCV000681933.28), dbSNP rs556718163, ClinGen allele CA2327446.